The following is an entry in ClinVar:

ClinVar aggregate classification (germline): Pathogenic (1 of 4 stars; one submission).

Conditions:
Schimke immuno-osseous dysplasia (SIOD). Also called: Schimke Immunoosseous Dysplasia. Identifiers: Orphanet 1830, MedGen C0877024, MONDO:0009458, OMIM 242900.

Submission:

Labcorp Genetics (formerly Invitae), Labcorp
Classification: Pathogenic for Schimke immuno-osseous dysplasia. Last evaluated: 2022-06-07. Review status: criteria provided, single submitter. Criteria: Invitae Variant Classification Sherloc (09022015). Collection method: clinical testing. Allele origin: germline.
Comment: This variant has not been reported in the literature in individuals affected with SMARCAL1-related conditions. For these reasons, this variant has been classified as Pathogenic. This variant is not present in population databases (gnomAD no frequency). This sequence change creates a premature translational stop signal (p.Ala197Serfs*14) in the SMARCAL1 gene. It is expected to result in an absent or disrupted protein product. Loss-of-function variants in SMARCAL1 are known to be pathogenic (PMID: 11799392, 20301550).

Literature cited by the submitters: PubMed 11799392; PubMed 20301550.

NM_014140.4(SMARCAL1):c.588dup (p.Ala197fs)

Gene: SMARCAL1 (SNF2 related chromatin remodeling annealing helicase 1; plus strand). Cytogenetic location: 2q35.
Variant type: Duplication.
Coding change: c.588dup on transcript NM_014140.4 (MANE Select); coding-DNA position 588, one base duplicated (A; older notation c.588dupA).
Protein change: p.Ala197fs; shifts the reading frame from alanine 197.
Molecular consequence: frameshift variant.
Genome position (GRCh38, 1-based): chr2:216,415,292, A duplicated; the last of 4 consecutive A bases (chr2:216,415,289-216,415,292); duplicating any one gives the same sequence. VCF-style (leftmost placement, unchanged base first): chr2-216415288-C-CA. GRCh37 (hg19) VCF-style: chr2-217280011-C-CA.
Other names: c.588dup, p.Ala197fs (NM_001127207.2); short protein forms A197fs.
Identifiers: ClinVar variation 2002618 (VCV002002618.4), dbSNP rs2469611631, ClinGen allele CA2580065740.